The following is an entry in ClinVar:

NM_003242.6(TGFBR2):c.617C>T (p.Thr206Met)

Gene: TGFBR2 (transforming growth factor beta receptor 2; plus strand). Cytogenetic location: 3p24.1.
Variant type: single nucleotide variant.
Coding change: c.617C>T on transcript NM_003242.6 (MANE Select); coding-DNA position 617, C replaced by T.
Protein change: p.Thr206Met; replaces threonine 206 with methionine.
Molecular consequence: missense variant.
Genome position (GRCh38, 1-based): chr3:30,671,800, C>T. VCF-style: chr3-30671800-C-T. GRCh37 (hg19) VCF-style: chr3-30713292-C-T.
Other names: p.T206M:ACG>ATG; c.692C>T, p.Thr231Met (NM_001024847.3); c.800C>T, p.Thr267Met (NM_001407126.1); c.725C>T, p.Thr242Met (NM_001407127.1); c.644C>T, p.Thr215Met (NM_001407128.1); c.620C>T, p.Thr207Met (NM_001407129.1); c.617C>T, p.Thr206Met (NM_001407130.1); c.512C>T, p.Thr171Met (NM_001407132.1, NM_001407133.1, NM_001407134.1 and 2 more transcripts); and 2 more; short protein forms T206M, T231M, T242M, T86M, T111M, T171M, T267M, T207M.
Identifiers: ClinVar variation 44659 (VCV000044659.55), dbSNP rs150022335, ClinGen allele CA020780.

ClinVar aggregate classification (germline): Conflicting classifications of pathogenicity. Review status: criteria provided, conflicting classifications (1 of 4 stars). 9 submissions from 9 submitters: Uncertain significance (8); Likely benign (1). Last evaluated 2025-08-30.

Conditions:
TGFBR2-related disorder. Also called: TGFBR2-related condition.
Familial thoracic aortic aneurysm and aortic dissection (TAAD). Also called: Thoracic aortic aneurysms and dissections. Identifiers: Orphanet 91387, MedGen C4707243, MONDO:0019625.
Loeys-Dietz syndrome 2 (LDS2). Also called: TGFBR2-Related Loeys-Dietz Syndrome; Marfan syndrome, type 2 (formerly); AORTIC ANEURYSM, FAMILIAL THORACIC 3; MARFAN SYNDROME, TYPE II; Marfan Syndrome type 2; Marfan like connective tissue disorder. Identifiers: Orphanet 284973, Orphanet 558, MedGen C2674574, MONDO:0012427, OMIM 610168.

Allele frequency attached by ClinVar (database versions not stated): ExAC 0.00003; gnomAD 0.00004 and 0.00005; gnomAD exomes 0.00004 and 0.00005; TOPMed 0.00009; 1000 Genomes Project 0.00020; 1000 Genomes Project 30x 0.00031.
gnomAD v4.1: 89 of 1,614,198 alleles (0.0055%); highest among the groups gnomAD compares: Middle Eastern, 0.12%; no homozygotes.

Submissions (9):

PreventionGenetics, part of Exact Sciences
Classification: Uncertain significance for TGFBR2-related condition. Last evaluated: 2025-08-30. Review status: criteria provided, single submitter. Criteria: ACMG Guidelines, 2015. Collection method: clinical testing. Allele origin: germline.
Comment: The TGFBR2 c.617C>T variant is predicted to result in the amino acid substitution p.Thr206Met. This variant has been reported in multiple individuals with Loeys-Dietz syndrome or aortic aneurysm and dissection; however, no functional studies were performed to help assess the pathogenicity of this variant (described as p.Thr231Met, Sakai et al. 2012. PubMed ID: 22001912; Table S3, Li et al. 2018. PubMed ID: 30341550; Yang et al. 2020. PubMed ID: 31915033; Table S1, Li et al. 2021. PubMed ID: 34498425). This variant is reported in 0.025% of alleles in individuals of East Asian descent in gnomAD and has conflicting interpretations of pathogenicity in ClinVar ranging from uncertain significance to likely benign (ClinVar ID: 44659). At this time, the clinical significance of this variant is uncertain due to the absence of conclusive functional and genetic evidence.

Ambry Genetics
Classification: Uncertain significance for Familial thoracic aortic aneurysm and aortic dissection. Last evaluated: 2025-05-06. Review status: criteria provided, single submitter. Criteria: Ambry Variant Classification Scheme 2023. Collection method: clinical testing. Allele origin: germline.
Comment: The p.T206M variant (also known as c.617C>T), located in coding exon 4 of the TGFBR2 gene, results from a C to T substitution at nucleotide position 617. The threonine at codon 206 is replaced by methionine, an amino acid with similar properties. This variant was reported in individual(s) with features consistent with TGFBR2-related thoracic aortic aneurysm and dissection (TAAD) (Sakai H et al. Hum Genet, 2012 Apr;131:591-9; Li Z et al. Sci China Life Sci, 2018 Dec;61:1545-1553; Ambry internal data). This amino acid position is poorly conserved in available vertebrate species. In addition, this alteration is predicted to be tolerated by in silico analysis. Based on the available evidence, the clinical significance of this alteration remains unclear.

Labcorp Genetics (formerly Invitae), Labcorp
Classification: Uncertain significance for Familial thoracic aortic aneurysm and aortic dissection. Last evaluated: 2024-12-19. Review status: criteria provided, single submitter. Criteria: Invitae Variant Classification Sherloc (09022015). Collection method: clinical testing. Allele origin: germline.
Comment: This sequence change replaces threonine, which is neutral and polar, with methionine, which is neutral and non-polar, at codon 206 of the TGFBR2 protein (p.Thr206Met). This variant is present in population databases (rs150022335, gnomAD 0.03%). This missense change has been observed in individual(s) with clinical features of TGFBR2-related conditions (PMID: 22001912, 30341550, 31915033, 34498425; internal data). This variant is also known as c.692C>T (p.Thr231Met). ClinVar contains an entry for this variant (Variation ID: 44659). Invitae Evidence Modeling incorporating data from in vitro experimental studies (internal data) indicates that this missense variant is not expected to disrupt TGFBR2 function with a negative predictive value of 95%. In summary, the available evidence is currently insufficient to determine the role of this variant in disease. Therefore, it has been classified as a Variant of Uncertain Significance.

GeneDx
Classification: Uncertain significance. Last evaluated: 2024-10-13. Review status: criteria provided, single submitter. Criteria: GeneDx Variant Classification Process June 2021. Collection method: clinical testing. Allele origin: germline. Affected: yes.
Comment: In silico analysis indicates that this missense variant does not alter protein structure/function; This variant is associated with the following publications: (PMID: 30341550, 34498425, 31915033, 22001912, 31786580)

All of Us Research Program, National Institutes of Health
Classification: Uncertain significance for Loeys-Dietz syndrome 2. Last evaluated: 2024-06-17. Review status: criteria provided, single submitter. Criteria: ACMG Guidelines, 2015. Collection method: clinical testing. Allele origin: germline. Inheritance: Autosomal dominant inheritance. Observed: 9 variant alleles, 9 heterozygotes.
Comment: This variant is located in the TGFBR2 protein. This variant is also known as c.692C>T, p.Thr231Met based on a different transcript NM_001024847.2. Computational prediction suggests that this variant may not impact protein structure and function (internally defined REVEL score threshold <= 0.5, PMID: 27666373). To our knowledge, functional studies have not been reported for this variant. This variant has been reported in two individuals affected with aortic aneurysm and dissection (PMID: 22001912, 30341550) and in one individual suspected of having Loeys-Dietz syndrome (PMID: 31915033). This variant has also been identified in 12/282550 chromosomes in the general population by the Genome Aggregation Database (gnomAD). The available evidence is insufficient to determine the role of this variant in disease conclusively. Therefore, this variant is classified as a Variant of Uncertain Significance.

This study involves interpretation of variants in research participants for the purpose of population health screening. Participant phenotype was not available at the time of variant classification. Additional details can be found in publication PMID: 35346344, PMCID: PMC8962531

Color Diagnostics, LLC DBA Color Health
Classification: Uncertain significance for Familial thoracic aortic aneurysm and aortic dissection. Last evaluated: 2024-02-20. Review status: criteria provided, single submitter. Criteria: ACMG Guidelines, 2015. Collection method: clinical testing. Allele origin: germline.
Comment: This variant replaces threonine with methionine at codon 206 in the TGFBR2 protein. This variant is also known as c.692C>T, p.Thr231Met based on a different transcript NM_001024847.2. Computational prediction suggests that this variant may not impact protein structure and function. To our knowledge, functional studies have not been reported for this variant. This variant has been reported in two individuals affected with aortic aneurysm and dissection (PMID: 22001912, 30341550) and in one individual suspected of having Loeys-Dietz syndrome (PMID: 31915033). This variant has also been identified in 12/282550 chromosomes in the general population by the Genome Aggregation Database (gnomAD). The available evidence is insufficient to determine the role of this variant in disease conclusively. Therefore, this variant is classified as a Variant of Uncertain Significance.

CeGaT Center for Human Genetics Tuebingen
Classification: Uncertain significance. Last evaluated: 2024-02-01. Review status: criteria provided, single submitter. Criteria: CeGaT Center For Human Genetics Tuebingen Variant Classification Criteria Version 2. Collection method: clinical testing. Allele origin: germline. Affected: yes. Observed: 1 variant allele.
Comment: TGFBR2: PM2:Supporting, BP4

ARUP Laboratories, Molecular Genetics and Genomics, ARUP Laboratories
Classification: Likely benign. Last evaluated: 2017-04-25. Review status: criteria provided, single submitter. Criteria: ARUP Molecular Germline Variant Investigation Process. Collection method: clinical testing. Allele origin: germline.

Laboratory for Molecular Medicine, Mass General Brigham Personalized Medicine
Classification: Uncertain significance. Last evaluated: 2010-08-20. Review status: criteria provided, single submitter. Criteria: LMM Criteria. Collection method: clinical testing. Allele origin: germline. Observed: 1 variant allele.
Comment: Variant classified as Uncertain Significance - Favor Pathogenic.

Literature cited by the submitters: PubMed 22001912 (cited by 4 submitters); PubMed 24793577 (cited by Ambry Genetics); PubMed 30341550 (cited by 4 submitters); PubMed 31915033 (cited by 4 submitters); PubMed 34498425 (cited by Labcorp Genetics (formerly Invitae), Labcorp).